The following is an entry in ClinVar:

NM_006383.4(CIB2):c.327C>G (p.Asn109Lys)

Gene: CIB2 (calcium and integrin binding family member 2; minus strand). Cytogenetic location: 15q25.1.
Variant type: single nucleotide variant.
Coding change: c.327C>G on transcript NM_006383.4 (MANE Select); coding-DNA position 327, C replaced by G.
Protein change: p.Asn109Lys; replaces asparagine 109 with lysine.
Molecular consequence: missense variant. On other transcripts: non-coding transcript variant (1).
Genome position (GRCh38, 1-based): chr15:78,109,254, G>C on the plus strand (C>G on the coding strand, the complement: CIB2 is on the minus strand). VCF-style: chr15-78109254-G-C. GRCh37 (hg19) VCF-style: chr15-78401596-G-C.
Other names: c.198C>G, p.Asn66Lys (NM_001271888.2); c.180C>G, p.Asn60Lys (NM_001271889.2); c.342C>G, p.Asn114Lys (NM_001301224.2); short protein forms N60K, N114K, N109K, N66K.
Identifiers: ClinVar variation 1475871 (VCV001475871.8), dbSNP rs2141887089, ClinGen allele CA393546752.

ClinVar aggregate classification (germline): Uncertain significance (1 of 4 stars; one submission).

Allele frequency attached by ClinVar (database versions not stated): gnomAD exomes below 0.00001.

Submission:

Labcorp Genetics (formerly Invitae), Labcorp
Classification: Uncertain significance. Last evaluated: 2022-09-06. Review status: criteria provided, single submitter. Criteria: Invitae Variant Classification Sherloc (09022015). Collection method: clinical testing. Allele origin: germline.
Comment: ClinVar contains an entry for this variant (Variation ID: 1475871). This sequence change replaces asparagine, which is neutral and polar, with lysine, which is basic and polar, at codon 109 of the CIB2 protein (p.Asn109Lys). This variant is not present in population databases (gnomAD no frequency). This variant has not been reported in the literature in individuals affected with CIB2-related conditions. Algorithms developed to predict the effect of missense changes on protein structure and function are either unavailable or do not agree on the potential impact of this missense change (SIFT: "Not Available"; PolyPhen-2: "Benign"; Align-GVGD: "Not Available"). Algorithms developed to predict the effect of sequence changes on RNA splicing suggest that this variant may create or strengthen a splice site. In summary, the available evidence is currently insufficient to determine the role of this variant in disease. Therefore, it has been classified as a Variant of Uncertain Significance.